The following is an entry in ClinVar:

ClinVar aggregate classification (germline): Uncertain significance (1 of 4 stars; one submission).

Allele frequency attached by ClinVar (database versions not stated): gnomAD exomes below 0.00001.
gnomAD v4.1: 1 of 1,614,004 alleles (0.000062%); highest among the groups gnomAD compares: African/African-American, 0.0013%; no homozygotes.

Submission:

Labcorp Genetics (formerly Invitae), Labcorp
Classification: Uncertain significance. Last evaluated: 2023-10-07. Review status: criteria provided, single submitter. Criteria: Invitae Variant Classification Sherloc (09022015). Collection method: clinical testing. Allele origin: germline.
Comment: This sequence change replaces valine, which is neutral and non-polar, with alanine, which is neutral and non-polar, at codon 428 of the SETBP1 protein (p.Val428Ala). This variant is not present in population databases (gnomAD no frequency). This variant has not been reported in the literature in individuals affected with SETBP1-related conditions. Advanced modeling of protein sequence and biophysical properties (such as structural, functional, and spatial information, amino acid conservation, physicochemical variation, residue mobility, and thermodynamic stability) performed at Invitae indicates that this missense variant is not expected to disrupt SETBP1 protein function. In summary, the available evidence is currently insufficient to determine the role of this variant in disease. Therefore, it has been classified as a Variant of Uncertain Significance.

NM_015559.3(SETBP1):c.1283T>C (p.Val428Ala)

Gene: SETBP1 (SET binding protein 1; plus strand). Cytogenetic location: 18q12.3.
Variant type: single nucleotide variant.
Coding change: c.1283T>C on transcript NM_015559.3 (MANE Select); coding-DNA position 1283, T replaced by C.
Protein change: p.Val428Ala; replaces valine 428 with alanine.
Molecular consequence: missense variant.
Genome position (GRCh38, 1-based): chr18:44,950,623, T>C. VCF-style: chr18-44950623-T-C. GRCh37 (hg19) VCF-style: chr18-42530588-T-C.
Other names: c.1283T>C, p.Val428Ala (NM_001379141.1, NM_001379142.1, NM_001410862.1); short protein forms V428A.
Identifiers: ClinVar variation 2797881 (VCV002797881.3), dbSNP rs2511466998, ClinGen allele CA402318191.